The following is an entry in ClinVar:

ClinVar aggregate classification (germline): Uncertain significance. Review status: criteria provided, multiple submitters, no conflicts (2 of 4 stars). 2 submissions from 2 submitters: Uncertain significance (2). Last evaluated 2025-06-24.

Conditions:
Inborn genetic diseases. Identifiers: MedGen C0950123, MeSH D030342.

Allele frequency attached by ClinVar (database versions not stated): TOPMed 0.00001; ExAC 0.00002; gnomAD 0.00002; gnomAD exomes 0.00002.
gnomAD v4.1: 13 of 1,612,286 alleles (0.00081%); highest among the groups gnomAD compares: South Asian, 0.0033%; no homozygotes.

Submissions (2):

Ambry Genetics
Classification: Uncertain significance for Inborn genetic diseases. Last evaluated: 2025-06-24. Review status: criteria provided, single submitter. Criteria: Ambry Variant Classification Scheme 2023. Collection method: clinical testing. Allele origin: germline.

Labcorp Genetics (formerly Invitae), Labcorp
Classification: Uncertain significance. Last evaluated: 2021-08-07. Review status: criteria provided, single submitter. Criteria: Invitae Variant Classification Sherloc (09022015). Collection method: clinical testing. Allele origin: germline.
Comment: This sequence change replaces serine with leucine at codon 947 of the TJP2 protein (p.Ser947Leu). The serine residue is moderately conserved and there is a large physicochemical difference between serine and leucine. In summary, the available evidence is currently insufficient to determine the role of this variant in disease. Therefore, it has been classified as a Variant of Uncertain Significance. Algorithms developed to predict the effect of missense changes on protein structure and function are either unavailable or do not agree on the potential impact of this missense change (SIFT: "Tolerated"; PolyPhen-2: "Possibly Damaging"; Align-GVGD: "Class C0"). This variant has not been reported in the literature in individuals affected with TJP2-related conditions. This variant is present in population databases (rs756610227, ExAC 0.007%).

NM_004817.4(TJP2):c.2840C>T (p.Ser947Leu)

Gene: TJP2 (tight junction protein 2; plus strand). Cytogenetic location: 9q21.11.
Variant type: single nucleotide variant.
Coding change: c.2840C>T on transcript NM_004817.4 (MANE Select); coding-DNA position 2840, C replaced by T.
Protein change: p.Ser947Leu; replaces serine 947 with leucine.
Molecular consequence: missense variant. On other transcripts: intron variant (1).
Genome position (GRCh38, 1-based): chr9:69,248,184, C>T. VCF-style: chr9-69248184-C-T. GRCh37 (hg19) VCF-style: chr9-71863100-C-T.
Other names: c.2771C>T, p.Ser924Leu (NM_001170414.2, NM_001369871.1); c.2852C>T, p.Ser951Leu (NM_001170415.1, NM_001369874.1, NM_001369875.1); c.2933C>T, p.Ser978Leu (NM_001170416.2); c.2765C>T, p.Ser922Leu (NM_001369870.1); c.2840C>T, p.Ser947Leu (NM_001369872.1, NM_201629.3); c.2667+1394C>T (NM_001369873.1); c.2840C>T (NM_004817.3); short protein forms S951L, S947L, S922L, S924L, S978L.
Identifiers: ClinVar variation 1487654 (VCV001487654.7), dbSNP rs756610227, ClinGen allele CA5073781.
Genomic context (GRCh38, chr9:69,248,184, plus strand): 5'-GTGAAGGAGGCGCCTACACTGACAATGAGCTGGATGAGCCAGCCGAGGAGCCGCTGGTGT[C>T]GTCCATCACCCGCTCCTCGGAGCCGGTGCAGCACGAGGAGGTGAGGCGAGGCAGGCCACG-3'
Protein context (NP_004808.2, residues 937-957): LDEPAEEPLV[Ser947Leu]SITRSSEPVQ